The following is an entry in ClinVar:

NM_021956.5(GRIK2):c.38T>G (p.Phe13Cys)

Gene: GRIK2 (glutamate ionotropic receptor kainate type subunit 2; plus strand). Cytogenetic location: 6q16.3.
Variant type: single nucleotide variant.
Coding change: c.38T>G on transcript NM_021956.5 (MANE Select); coding-DNA position 38, T replaced by G.
Protein change: p.Phe13Cys; replaces phenylalanine 13 with cysteine.
Molecular consequence: missense variant.
Genome position (GRCh38, 1-based): chr6:101,399,315, T>G. VCF-style: chr6-101399315-T-G. GRCh37 (hg19) VCF-style: chr6-101847191-T-G.
Other names: c.38T>G, p.Phe13Cys (NM_001166247.1, NM_175768.3); short protein forms F13C.
Identifiers: ClinVar variation 4084892 (VCV004084892.8).

ClinVar aggregate classification (germline): Uncertain significance (1 of 4 stars; one submission).

gnomAD v4.1: 4 of 1,592,896 alleles (0.00025%); highest among the groups gnomAD compares: Non-Finnish European, 0.00034%; no homozygotes.

Submission:

CeGaT Center for Human Genetics Tuebingen
Classification: Uncertain significance. Last evaluated: 2025-08-01. Review status: criteria provided, single submitter. Criteria: CeGaT Center For Human Genetics Tuebingen Variant Classification Criteria Version 2. Collection method: clinical testing. Allele origin: germline. Affected: yes. Observed: 1 variant allele.
Comment: GRIK2: PM2